The following is an entry in ClinVar:

NM_000718.4(CACNA1B):c.*8G>A

Gene: CACNA1B (calcium voltage-gated channel subunit alpha1 B; plus strand). Cytogenetic location: 9q34.3.
Variant type: single nucleotide variant.
Coding change: c.*8G>A on transcript NM_000718.4 (MANE Select); 8 bases downstream of the stop codon, G replaced by A.
Molecular consequence: 3 prime UTR variant.
Genome position (GRCh38, 1-based): chr9:138,122,007, G>A. VCF-style: chr9-138122007-G-A. GRCh37 (hg19) VCF-style: chr9-141016459-G-A.
Other names: c.*127G>A (NM_001243812.2).
Identifiers: ClinVar variation 3043253 (VCV003043253.2), dbSNP rs202023610, ClinGen allele CA5377869.

ClinVar aggregate classification (germline): Likely benign (0 of 4 stars; one submission).

Conditions:
CACNA1B-related disorder. Also called: CACNA1B-related condition.

Allele frequency attached by ClinVar (database versions not stated): ESP Exome Variant Server 0.00008; gnomAD 0.00013; TOPMed 0.00015; gnomAD exomes 0.00018; ExAC 0.00021.
gnomAD v4.1: 275 of 1,591,256 alleles (0.017%); highest among the groups gnomAD compares: African/African-American, 0.023%; no homozygotes.

Submission:

PreventionGenetics, part of Exact Sciences
Classification: Likely benign for CACNA1B-related condition. Last evaluated: 2019-06-26. Review status: no assertion criteria provided. Collection method: clinical testing. Allele origin: germline.
Comment: This variant is classified as likely benign based on ACMG/AMP sequence variant interpretation guidelines (Richards et al. 2015 PMID: 25741868, with internal and published modifications).